The following is an entry in ClinVar:

NM_000548.5(TSC2):c.2301T>C (p.Val767=)

Gene: TSC2 (TSC complex subunit 2; plus strand). Cytogenetic location: 16p13.3.
Variant type: single nucleotide variant.
Coding change: c.2301T>C on transcript NM_000548.5 (MANE Select); coding-DNA position 2301, T replaced by C.
Protein change: p.Val767=; no amino-acid change (valine 767 retained).
Molecular consequence: synonymous variant. On other transcripts: non-coding transcript variant (5).
Genome position (GRCh38, 1-based): chr16:2,072,929, T>C. VCF-style: chr16-2072929-T-C. GRCh37 (hg19) VCF-style: chr16-2122930-T-C.
Other names: c.2301T>C, p.Val767= (NM_001077183.3, NM_001114382.3, NM_001363528.2 and 6 more transcripts); c.2190T>C, p.Val730= (NM_001318827.2, NM_001406670.1, NM_001406678.1); c.2154T>C, p.Val718= (NM_001318829.2, NM_001406675.1, NM_001406676.1 and 1 more transcripts); c.1701T>C, p.Val567= (NM_001318831.2, NM_001406680.1, NM_001406682.1 and 6 more transcripts); c.2334T>C, p.Val778= (NM_001318832.2); c.2391T>C, p.Val797= (NM_001406667.1, NM_001406668.1); c.2289T>C, p.Val763= (NM_001406671.1, NM_001406673.1); c.2244T>C, p.Val748= (NM_001406677.1); and 3 more.
Identifiers: ClinVar variation 2030883 (VCV002030883.5), dbSNP rs531724951, ClinGen allele CA492952679.

ClinVar aggregate classification (germline): Benign/Likely benign. Review status: criteria provided, multiple submitters, no conflicts (2 of 4 stars). 2 submissions from 2 submitters: Benign (1); Likely benign (1). Last evaluated 2025-05-19.

Conditions:
Tuberous sclerosis 2 (TSC2). Identifiers: Orphanet 805, MedGen C1860707, MONDO:0013199, OMIM 613254.

Submissions (2):

Myriad Genetics, Inc.
Classification: Benign for Tuberous sclerosis 2. Last evaluated: 2025-05-19. Review status: criteria provided, single submitter. Criteria: Myriad Autosomal Dominant, Autosomal Recessive and X-Linked Classification Criteria (2023). Collection method: clinical testing. Allele origin: unknown.
Comment: This variant is considered benign. This variant is a silent/synonymous amino acid change and it is not expected to impact splicing.

Labcorp Genetics (formerly Invitae), Labcorp
Classification: Likely benign for Tuberous sclerosis 2. Last evaluated: 2022-09-16. Review status: criteria provided, single submitter. Criteria: Invitae Variant Classification Sherloc (09022015). Collection method: clinical testing. Allele origin: germline.